The following is an entry in ClinVar:

NM_152383.5(DIS3L2):c.1686C>T (p.His562=)

Gene: DIS3L2 (DIS3 like 3'-5' exoribonuclease 2; plus strand). Cytogenetic location: 2q37.1.
Variant type: single nucleotide variant.
Coding change: c.1686C>T on transcript NM_152383.5 (MANE Select); coding-DNA position 1686, C replaced by T.
Protein change: p.His562=; no amino-acid change (histidine 562 retained).
Molecular consequence: synonymous variant. On other transcripts: non-coding transcript variant (2), intron variant (1).
Genome position (GRCh38, 1-based): chr2:232,300,066, C>T. VCF-style: chr2-232300066-C-T. GRCh37 (hg19) VCF-style: chr2-233164776-C-T.
Other names: c.1581+36704C>T (NM_001257281.2).
Identifiers: ClinVar variation 531968 (VCV000531968.35), dbSNP rs772512074, ClinGen allele CA2164236.

ClinVar aggregate classification (germline): Likely benign. Review status: criteria provided, multiple submitters, no conflicts (2 of 4 stars). 4 submissions from 4 submitters: Likely benign (3). 1 of the submissions does not count toward it. Last evaluated 2025-07-17.

Conditions:
Perlman syndrome (PRLMNS). Identifiers: Orphanet 2849, MedGen C0796113, MONDO:0009965, OMIM 267000.
DIS3L2-related disorder. Also called: DIS3L2-related condition.

Allele frequency attached by ClinVar (database versions not stated): ExAC 0.00002; gnomAD exomes 0.00003 and 0.00004; gnomAD 0.00005; TOPMed 0.00005.
gnomAD v4.1: 46 of 1,613,806 alleles (0.0029%); highest among the groups gnomAD compares: African/African-American, 0.012%; no homozygotes.

Submissions (4):

Labcorp Genetics (formerly Invitae), Labcorp
Classification: Likely benign for Perlman syndrome. Last evaluated: 2025-07-17. Review status: criteria provided, single submitter. Criteria: Invitae Variant Classification Sherloc (09022015). Collection method: clinical testing. Allele origin: germline.

Blueprint Genetics
Classification: Likely benign. Last evaluated: 2024-11-26. Review status: criteria provided, single submitter. Criteria: ACMG Guidelines, 2015. Collection method: clinical testing. Allele origin: germline.

CeGaT Center for Human Genetics Tuebingen
Classification: Likely benign. Last evaluated: 2023-12-01. Review status: criteria provided, single submitter. Criteria: CeGaT Center For Human Genetics Tuebingen Variant Classification Criteria Version 2. Collection method: clinical testing. Allele origin: germline. Affected: yes. Observed: 1 variant allele.
Comment: DIS3L2: BP4, BP7

PreventionGenetics, part of Exact Sciences
Classification: Likely benign for DIS3L2-related condition. Last evaluated: 2019-07-09. Review status: no assertion criteria provided. Collection method: clinical testing. Allele origin: germline. Not counted in ClinVar's aggregate classification.
Comment: This variant is classified as likely benign based on ACMG/AMP sequence variant interpretation guidelines (Richards et al. 2015 PMID: 25741868, with internal and published modifications).